The following is an entry in ClinVar:

NM_000264.5(PTCH1):c.2024A>G (p.Tyr675Cys)

Genes: PTCH1 (patched 1; minus strand), LOC100507346 (uncharacterized LOC100507346; plus strand). Cytogenetic location: 9q22.32.
Variant type: single nucleotide variant.
Coding change: c.2024A>G on transcript NM_000264.5 (MANE Select); coding-DNA position 2024, A replaced by G.
Protein change: p.Tyr675Cys; replaces tyrosine 675 with cysteine.
Molecular consequence: missense variant. On other transcripts: non-coding transcript variant (2).
Genome position (GRCh38, 1-based): chr9:95,468,977, T>C on the plus strand (A>G on the coding strand, the complement: PTCH1 is on the minus strand). VCF-style: chr9-95468977-T-C. GRCh37 (hg19) VCF-style: chr9-98231259-T-C.
Other names: c.1826A>G, p.Tyr609Cys (NM_001083602.3); c.2021A>G, p.Tyr674Cys (NM_001083603.3); c.1571A>G, p.Tyr524Cys (NM_001083604.3, NM_001083605.3, NM_001083606.3 and 1 more transcripts); c.1868A>G, p.Tyr623Cys (NM_001354918.2); short protein forms Y524C, Y674C, Y609C, Y623C, Y675C.
Identifiers: ClinVar variation 1784622 (VCV001784622.5), dbSNP rs2118044762, ClinGen allele CA374115817.

ClinVar aggregate classification (germline): Uncertain significance. Review status: criteria provided, multiple submitters, no conflicts (2 of 4 stars). 2 submissions from 2 submitters: Uncertain significance (2). Last evaluated 2022-12-24.

Conditions:
Hereditary cancer-predisposing syndrome. Also called: Tumor predisposition; Neoplastic Syndromes, Hereditary; Hereditary Cancer Syndrome; Hereditary neoplastic syndrome. Identifiers: Orphanet 140162, MedGen C0027672, MeSH D009386, MONDO:0015356.
Gorlin syndrome. Also called: Nevoid Basal Cell Carcinoma Syndrome; Basal cell nevus syndrome. Identifiers: Orphanet 377, MedGen C0004779, MONDO:0007187.

Submissions (2):

Labcorp Genetics (formerly Invitae), Labcorp
Classification: Uncertain significance for Gorlin syndrome. Last evaluated: 2022-12-24. Review status: criteria provided, single submitter. Criteria: Invitae Variant Classification Sherloc (09022015). Collection method: clinical testing. Allele origin: germline.
Comment: In summary, the available evidence is currently insufficient to determine the role of this variant in disease. Therefore, it has been classified as a Variant of Uncertain Significance. Advanced modeling of protein sequence and biophysical properties (such as structural, functional, and spatial information, amino acid conservation, physicochemical variation, residue mobility, and thermodynamic stability) performed at Invitae indicates that this missense variant is not expected to disrupt PTCH1 protein function. ClinVar contains an entry for this variant (Variation ID: 1784622). This variant has not been reported in the literature in individuals affected with PTCH1-related conditions. This variant is not present in population databases (gnomAD no frequency). This sequence change replaces tyrosine, which is neutral and polar, with cysteine, which is neutral and slightly polar, at codon 675 of the PTCH1 protein (p.Tyr675Cys).

Ambry Genetics
Classification: Uncertain significance for Hereditary cancer-predisposing syndrome. Last evaluated: 2022-08-01. Review status: criteria provided, single submitter. Criteria: Ambry Variant Classification Scheme 2023. Collection method: clinical testing. Allele origin: germline.
Comment: The p.Y675C variant (also known as c.2024A>G), located in coding exon 14 of the PTCH1 gene, results from an A to G substitution at nucleotide position 2024. The tyrosine at codon 675 is replaced by cysteine, an amino acid with highly dissimilar properties. This amino acid position is conserved. In addition, the in silico prediction for this alteration is inconclusive. Since supporting evidence is limited at this time, the clinical significance of this alteration remains unclear.